The following is an entry in ClinVar:

NM_000384.3(APOB):c.3994T>C (p.Ser1332Pro)

Gene: APOB (apolipoprotein B; minus strand). Cytogenetic location: 2p24.1.
Variant type: single nucleotide variant.
Coding change: c.3994T>C on transcript NM_000384.3 (MANE Select); coding-DNA position 3994, T replaced by C.
Protein change: p.Ser1332Pro; replaces serine 1332 with proline.
Molecular consequence: missense variant.
Genome position (GRCh38, 1-based): chr2:21,013,382, A>G on the plus strand (T>C on the coding strand, the complement: APOB is on the minus strand). VCF-style: chr2-21013382-A-G. GRCh37 (hg19) VCF-style: chr2-21236254-A-G.
Other names: short protein forms S1332P.
Identifiers: ClinVar variation 3900523 (VCV003900523.1).

ClinVar aggregate classification (germline): Uncertain significance (1 of 4 stars; one submission).

gnomAD v4.1: 1 of 1,614,228 alleles (0.000062%); highest among the groups gnomAD compares: Non-Finnish European, 0.000085%; no homozygotes.

Submission:

GeneDx
Classification: Uncertain significance. Last evaluated: 2024-11-21. Review status: criteria provided, single submitter. Criteria: GeneDx Variant Classification Process June 2021. Collection method: clinical testing. Allele origin: germline. Affected: yes.
Comment: Not observed at significant frequency in large population cohorts (gnomAD); In silico analysis indicates that this missense variant does not alter protein structure/function; Has not been previously published as pathogenic or benign to our knowledge